The following is an entry in ClinVar:

ClinVar aggregate classification (germline): Uncertain significance (1 of 4 stars; one submission).

Submission:

Women's Health and Genetics/Laboratory Corporation of America, LabCorp
Classification: Uncertain significance. Last evaluated: 2024-03-14. Review status: criteria provided, single submitter. Criteria: LabCorp Variant Classification Summary - May 2015. Collection method: clinical testing. Allele origin: germline.
Comment: Variant summary: ADCY5 c.1285-6C>G alters a conserved nucleotide located close to a canonical splice site and therefore could affect mRNA splicing, leading to a significantly altered protein sequence. Consensus agreement among computation tools predict no significant impact on normal splicing. However, these predictions have yet to be confirmed by functional studies. The variant was absent in 251454 control chromosomes (gnomAD). The available data on variant occurrences in the general population are insufficient to allow any conclusion about variant significance. To our knowledge, no occurrence of c.1285-6C>G in individuals affected with Familial Dyskinesia With Facial Myokymia and no experimental evidence demonstrating its impact on protein function have been reported. No submitters have cited clinical-significance assessments for this variant to ClinVar. Based on the evidence outlined above, the variant was classified as uncertain significance.

NM_183357.3(ADCY5):c.1285-6C>G

Gene: ADCY5 (adenylate cyclase 5; minus strand). Cytogenetic location: 3q21.1.
Variant type: single nucleotide variant.
Coding change: c.1285-6C>G on transcript NM_183357.3 (MANE Select); 6 bases into the intron before coding-DNA position 1285, C replaced by G.
Molecular consequence: intron variant.
Genome position (GRCh38, 1-based): chr3:123,347,909, G>C on the plus strand (C>G on the coding strand, the complement: ADCY5 is on the minus strand). VCF-style: chr3-123347909-G-C. GRCh37 (hg19) VCF-style: chr3-123066756-G-C.
Other names: c.1285-6C>G (NM_001378259.1); c.235-6C>G (NM_001199642.1).
Identifiers: ClinVar variation 3233973 (VCV003233973.2), dbSNP rs77442307, ClinGen allele CA898183718.
Genomic context (GRCh38, chr3:123,347,909, plus strand): 5'-CTGCTTTCATCTCCATGGCAACATGACGGGGAAGGACAGACAGCAGGAGCCGTTCCTGCA[G>C]AGGGAAGCACATGCTTTCATCACCACGCCTTCTACCTGCCTGGCAAGTGCTCGCTCCTCC-3'